The following is an entry in ClinVar:

ClinVar aggregate classification (germline): Uncertain significance (1 of 4 stars; one submission).

Allele frequency attached by ClinVar (database versions not stated): gnomAD exomes below 0.00001; gnomAD 0.00001.
gnomAD v4.1: 3 of 1,607,708 alleles (0.00019%); highest among the groups gnomAD compares: Admixed American, 0.0017%; no homozygotes.

Submission:

Labcorp Genetics (formerly Invitae), Labcorp
Classification: Uncertain significance. Last evaluated: 2022-05-16. Review status: criteria provided, single submitter. Criteria: Invitae Variant Classification Sherloc (09022015). Collection method: clinical testing. Allele origin: germline.
Comment: In summary, the available evidence is currently insufficient to determine the role of this variant in disease. Therefore, it has been classified as a Variant of Uncertain Significance. Algorithms developed to predict the effect of missense changes on protein structure and function are either unavailable or do not agree on the potential impact of this missense change (SIFT: "Tolerated"; PolyPhen-2: "Not Available"; Align-GVGD: "Class C0"). This variant has not been reported in the literature in individuals affected with KMT2B-related conditions. This sequence change replaces proline, which is neutral and non-polar, with arginine, which is basic and polar, at codon 2131 of the KMT2B protein (p.Pro2131Arg). This variant is not present in population databases (gnomAD no frequency).

NM_014727.3(KMT2B):c.6392C>G (p.Pro2131Arg)

Gene: KMT2B (lysine methyltransferase 2B; plus strand). Cytogenetic location: 19q13.12.
Variant type: single nucleotide variant.
Coding change: c.6392C>G on transcript NM_014727.3 (MANE Select); coding-DNA position 6392, C replaced by G.
Protein change: p.Pro2131Arg; replaces proline 2131 with arginine.
Molecular consequence: missense variant.
Genome position (GRCh38, 1-based): chr19:35,732,941, C>G. VCF-style: chr19-35732941-C-G. GRCh37 (hg19) VCF-style: chr19-36223842-C-G.
Other names: short protein forms P2131R.
Identifiers: ClinVar variation 1937514 (VCV001937514.5), dbSNP rs1969768651, ClinGen allele CA405428226.